The following is an entry in ClinVar:

ClinVar aggregate classification (germline): Uncertain significance (1 of 4 stars; one submission).

Conditions:
Hereditary cancer-predisposing syndrome. Also called: Neoplastic Syndromes, Hereditary; Tumor predisposition; Hereditary Cancer Syndrome; Hereditary neoplastic syndrome. Identifiers: Orphanet 140162, MedGen C0027672, MeSH D009386, MONDO:0015356.

Submission:

Ambry Genetics
Classification: Uncertain significance for Hereditary cancer-predisposing syndrome. Last evaluated: 2025-12-04. Review status: criteria provided, single submitter. Criteria: Ambry Variant Classification Scheme 2023. Collection method: clinical testing. Allele origin: germline.
Comment: The p.K778N variant (also known as c.2334G>T), located in coding exon 16 of the KIT gene, results from a G to T substitution at nucleotide position 2334. The lysine at codon 778 is replaced by asparagine, an amino acid with similar properties. This amino acid position is well conserved in available vertebrate species. In addition, this alteration is predicted to be tolerated by in silico analysis. Based on the available evidence, the clinical significance of this variant remains unclear.

NM_000222.3(KIT):c.2334G>T (p.Lys778Asn)

Gene: KIT (KIT proto-oncogene, receptor tyrosine kinase; plus strand). Cytogenetic location: 4q12.
Variant type: single nucleotide variant.
Coding change: c.2334G>T on transcript NM_000222.3 (MANE Select); coding-DNA position 2334, G replaced by T.
Protein change: p.Lys778Asn; replaces lysine 778 with asparagine.
Molecular consequence: missense variant.
Genome position (GRCh38, 1-based): chr4:54,731,971, G>T. VCF-style: chr4-54731971-G-T. GRCh37 (hg19) VCF-style: chr4-55598137-G-T.
Other names: c.2322G>T, p.Lys774Asn (NM_001093772.2, NM_001385292.1); c.2337G>T, p.Lys779Asn (NM_001385284.1); c.2331G>T, p.Lys777Asn (NM_001385285.1); c.2319G>T, p.Lys773Asn (NM_001385286.1); c.2325G>T, p.Lys775Asn (NM_001385288.1); c.2334G>T, p.Lys778Asn (NM_001385290.1); short protein forms K773N, K777N, K774N, K775N, K778N, K779N.
Identifiers: ClinVar variation 4645411 (VCV004645411.1).